The following is an entry in ClinVar:

ClinVar aggregate classification (germline): Benign/Likely benign. Review status: criteria provided, multiple submitters, no conflicts (2 of 4 stars). 10 submissions from 10 submitters: Benign (5); Likely benign (1). 4 of the submissions do not count toward it. Last evaluated 2025-12-22.

Conditions:
Polycystic kidney disease. Also called: Kidney, Polycystic; Polycystic kidney dysplasia. Identifiers: MedGen C0022680, MeSH D007690, MONDO:0020642, HP:0000113.
Polycystic kidney disease, adult type (PKD1). Also called: Polycystic Kidney, Autosomal Dominant; POLYCYSTIC KIDNEY DISEASE 1 WITH OR WITHOUT POLYCYSTIC LIVER DISEASE; POLYCYSTIC KIDNEY DISEASE, ADULT, TYPE I; Polycystic Kidney Disease 1, Autosomal Dominant; Polycystic kidney disease 1; Polycystic kidney disease 1, severe. Identifiers: MedGen C3149841, MONDO:0008263, OMIM 173900.
PKD1-related disorder. Also called: PKD1-related condition.

Allele frequency attached by ClinVar (database versions not stated): gnomAD exomes 0.00097 and 0.00217; ExAC 0.00330; ESP Exome Variant Server 0.00747; gnomAD 0.00850 and 0.00890; TOPMed 0.00997; 1000 Genomes Project 30x 0.01202; 1000 Genomes Project 0.01238.
gnomAD v4.1: 2,689 of 1,575,952 alleles (0.17%); highest among the groups gnomAD compares: African/African-American, 3.1%; 42 homozygotes.

Submissions (10):

Women's Health and Genetics/Laboratory Corporation of America, LabCorp
Classification: Likely benign. Last evaluated: 2025-12-22. Review status: criteria provided, single submitter. Criteria: LabCorp Variant Classification Summary - May 2015. Collection method: clinical testing. Allele origin: germline.

Mayo Clinic Laboratories, Mayo Clinic
Classification: Benign. Last evaluated: 2022-12-01. Review status: criteria provided, single submitter. Criteria: ACMG Guidelines, 2015. Collection method: clinical testing. Allele origin: germline. Observed: 12 variant alleles.
Comment: BS1, BS2, BP4, BP7

GeneDx
Classification: Benign. Last evaluated: 2020-02-13. Review status: criteria provided, single submitter. Criteria: GeneDx Variant Classification Process June 2021. Collection method: clinical testing. Allele origin: germline. Affected: yes.

ARUP Laboratories, Molecular Genetics and Genomics, ARUP Laboratories
Classification: Benign for Polycystic kidney disease, adult type. Last evaluated: 2019-11-02. Review status: criteria provided, single submitter. Criteria: ARUP Molecular Germline Variant Investigation Process. Collection method: clinical testing. Allele origin: germline.

Athena Diagnostics
Classification: Benign. Last evaluated: 2013-05-24. Review status: criteria provided, single submitter. Criteria: Athena Diagnostics Criteria. Collection method: clinical testing. Allele origin: germline.

Breakthrough Genomics
Classification: Benign. Review status: criteria provided, single submitter. Criteria: ACMG Guidelines, 2015. Collection method: not provided. Allele origin: germline. Inheritance: Autosomal dominant inheritance. Affected: yes.

PreventionGenetics, part of Exact Sciences
Classification: Benign for PKD1-related condition. Last evaluated: 2020-09-03. Review status: no assertion criteria provided. Collection method: clinical testing. Allele origin: germline. Not counted in ClinVar's aggregate classification.
Comment: This variant is classified as benign based on ACMG/AMP sequence variant interpretation guidelines (Richards et al. 2015 PMID: 25741868, with internal and published modifications).

Department of Pathology and Laboratory Medicine, Sinai Health System
Classification: Likely benign for Polycystic Kidney disease. Review status: no assertion criteria provided. Collection method: clinical testing. Allele origin: unknown. Affected: yes. Study: The Canadian Open Genetics Repository (COGR). Not counted in ClinVar's aggregate classification.
Comment: The PKD1 p.Val2679= variant was not identified in the literature nor was it identified in the GeneInsight-COGR, LOVD 3.0, PKD1-LOVD, databases. The variant was identified in dbSNP (ID: rs139752541) as "With Benign allele ", ClinVar (classified as benign by two clinical laboratories), and in ADPKD Mutation Database (as likely neutral). The variant was identified in control databases in 533 of 166148 chromosomes (10 homozygous) at a frequency of 0.003 increasing the likelihood this could be a low frequency benign variant (Genome Aggregation Database Feb 27, 2017). The variant was observed in the following populations: African in 473 of 14834 chromosomes (freq: 0.03), Other in 9 of 4620 chromosomes (freq: 0.0019), Latino in 36 of 25016 chromosomes (freq: 0.0014), European in 12 of 67246 chromosomes (freq: 0.00017), Finnish in 1 of 10730 chromosomes (freq: 0.00009), and South Asian in 2 of 23090 chromosomes (freq: 0.00008), while the variant was not observed in the Ashkenazi Jewish, and East Asian, populations. In addition we cannot be certain that data from control databases is specific to PKD1 and not from one of the six PKD1 pseudogenes. The p.Val2679= variant is not expected to have clinical significance because it does not result in a change of amino acid and is not located in a known consensus splice site. The variant occurs outside of the splicing consensus sequence and 1 of 5 in silico or computational prediction software programs (SpliceSiteFinder, MaxEntScan, NNSPLICE, GeneSplicer, HumanSpliceFinder) predict a greater than 10% difference in splicing; this is not very predictive of pathogenicity. In summary, based on the above information the clinical significance of this variant cannot be determined with certainty at this time although we would lean towards a more benign role for this variant. This variant is classified as likely benign.

Genome Diagnostics Laboratory, University Medical Center Utrecht
Classification: Benign. Review status: no assertion criteria provided. Collection method: clinical testing. Allele origin: germline. Affected: yes. Study: VKGL Data-share Consensus. Not counted in ClinVar's aggregate classification.

Joint Genome Diagnostic Labs from Nijmegen and Maastricht, Radboudumc and MUMC+
Classification: Benign. Review status: no assertion criteria provided. Collection method: clinical testing. Allele origin: germline. Affected: yes. Study: VKGL Data-share Consensus. Not counted in ClinVar's aggregate classification.

NM_001009944.3(PKD1):c.8037A>G (p.Val2679=)

Gene: PKD1 (polycystin 1, transient receptor potential channel interacting; minus strand). Cytogenetic location: 16p13.3.
Variant type: single nucleotide variant.
Coding change: c.8037A>G on transcript NM_001009944.3 (MANE Select); coding-DNA position 8037, A replaced by G.
Protein change: p.Val2679=; no amino-acid change (valine 2679 retained).
Molecular consequence: synonymous variant.
Genome position (GRCh38, 1-based): chr16:2,104,622, T>C on the plus strand (A>G on the coding strand, the complement: PKD1 is on the minus strand). VCF-style: chr16-2104622-T-C. GRCh37 (hg19) VCF-style: chr16-2154623-T-C.
Other names: p.Val2679=; c.8037A>G, p.Val2679= (NM_000296.4).
Identifiers: ClinVar variation 440141 (VCV000440141.20), dbSNP rs139752541, ClinGen allele CA7830744.
Genomic context (GRCh38, chr16:2,104,622, plus strand): 5'-CTGCAGGATGAGCATCATGGCCTCCAGCTTGTGCAGCGTCTGCTTCAGGCACGAGCGGCA[T>C]ACGAGCTCCCTGCTGGGCCCCTGTGTGGAGCCAGCAGTGTCCAGCCCCGCTCCTGGCCCC-3'
Protein context (NP_001009944.3, residues 2669-2689): AQCMGPSREL[Val2679=]CRSCLKQTLH